The following is an entry in ClinVar:

NM_017866.6(TMEM70):c.105dup (p.Val36fs)

Gene: TMEM70 (transmembrane protein 70; plus strand). Cytogenetic location: 8q21.11.
Variant type: Duplication.
Coding change: c.105dup on transcript NM_017866.6 (MANE Select); coding-DNA position 105, one base duplicated (T; older notation c.105dupT).
Protein change: p.Val36fs; shifts the reading frame from valine 36.
Molecular consequence: frameshift variant. On other transcripts: non-coding transcript variant (1).
Genome position (GRCh38, 1-based): chr8:73,976,386, T duplicated. VCF-style (leftmost placement, unchanged base first): chr8-73976385-C-CT. GRCh37 (hg19) VCF-style: chr8-74888620-C-CT.
Other names: p.Val36CysfsTer52; p.Val36Cysfs*52; c.105dup (NM_001040613.2); c.105dup, p.Val36fs (NM_001040613.3); short protein forms V36fs.
Identifiers: ClinVar variation 807712 (VCV000807712.11), dbSNP rs1411381518, ClinGen allele CA582881274.

ClinVar aggregate classification (germline): Pathogenic/Likely pathogenic. Review status: criteria provided, multiple submitters, no conflicts (2 of 4 stars). 6 submissions from 6 submitters: Pathogenic (4); Likely pathogenic (1). 1 of the submissions does not count toward it. Last evaluated 2025-09-25.

Conditions:
Mitochondrial complex V (ATP synthase) deficiency, nuclear type 2. Also called: MITOCHONDRIAL COMPLEX V (ATP SYNTHASE) DEFICIENCY, TMEM70 TYPE; ENCEPHALOCARDIOMYOPATHY, MITOCHONDRIAL, NEONATAL, DUE TO ATP SYNTHASE DEFICIENCY; Nuclear-Encoded ATPase Deficiency, TMEM70-Related. Identifiers: Orphanet 1194, MedGen C3279699, MONDO:0013546, OMIM 614052.

Allele frequency attached by ClinVar (database versions not stated): TOPMed 0.00001; gnomAD exomes 0.00002 and 0.00001.

Submissions (6):

Department of Molecular Genetics, Istishari Arab Hospital
Classification: Pathogenic for Mitochondrial complex V (ATP synthase) deficiency, nuclear type 2. Last evaluated: 2025-09-25. Review status: criteria provided, single submitter. Criteria: ACMG Guidelines, 2015. Collection method: clinical testing. Allele origin: germline. Inheritance: Autosomal recessive inheritance. Affected: yes.
Comment: The TMEM70 variant c.105dup, p.Val36Cysfs*52 creates a shift in the reading frame at position 36 resulting termination of protein 52 codons downstream. This variant is predicted to result in a loss or disruption of normal protein function through nonsense-mediated decay (NMD) or protein truncation. The variant is observed at an extremely low frequency in the gnomAD v4.1.0 dataset (total allele frequency: 0.003%). It has been previously described in patients with TMEM70 deficiency (PMID: 30950220). It is classified as pathogenic (class 1) according to the recommendations of ACMG/AMP/ClinGen SVI guidelines.

Labcorp Genetics (formerly Invitae), Labcorp
Classification: Pathogenic for Mitochondrial complex V (ATP synthase) deficiency, nuclear type 2. Last evaluated: 2025-04-07. Review status: criteria provided, single submitter. Criteria: Invitae Variant Classification Sherloc (09022015). Collection method: clinical testing. Allele origin: germline.
Comment: This sequence change creates a premature translational stop signal (p.Val36Cysfs*52) in the TMEM70 gene. It is expected to result in an absent or disrupted protein product. Loss-of-function variants in TMEM70 are known to be pathogenic (PMID: 18953340, 21147908). This variant is present in population databases (no rsID available, gnomAD 0.002%). This premature translational stop signal has been observed in individual(s) with clinical features of ATP synthase deficiency (PMID: 30950220). ClinVar contains an entry for this variant (Variation ID: 807712). For these reasons, this variant has been classified as Pathogenic.

Fulgent Genetics
Classification: Pathogenic for Mitochondrial complex V (ATP synthase) deficiency, nuclear type 2. Last evaluated: 2024-01-16. Review status: criteria provided, single submitter. Criteria: ACMG Guidelines, 2015. Collection method: clinical testing. Allele origin: germline.

Breakthrough Genomics
Classification: Pathogenic for Mitochondrial complex V (ATP synthase) deficiency, nuclear type 2. Last evaluated: 2021-03-30. Review status: criteria provided, single submitter. Criteria: ACMG Guidelines, 2015. Collection method: clinical testing. Allele origin: germline. Affected: yes.
Comment: This variant (reported as c.105dupT; p.V36fs*52) was previously reported in two siblings diagnosed with TMEM70 deficiency in a family in homozygous state [PMID: 30950220]. In addition, other truncating variants lying downstream of the identified variant, have been previously reported as ‘pathogenic’ in the ClinVar database context of nuclearly-encoded mitochondrial complex V (ATP synthase) deficiency 2.

Institute of Human Genetics Munich, TUM University Hospital
Classification: Likely pathogenic for Mitochondrial complex V (ATP synthase) deficiency, nuclear type 2. Last evaluated: 2018-07-30. Review status: criteria provided, single submitter. Criteria: Classification criteria August 2017. Collection method: clinical testing. Allele origin: germline. Inheritance: Autosomal recessive inheritance. Affected: yes. Observed: 1 compound heterozygote.

OMIM
Classification: Pathogenic for MITOCHONDRIAL COMPLEX V (ATP SYNTHASE) DEFICIENCY, NUCLEAR TYPE 2. Last evaluated: 2020-08-13. Review status: no assertion criteria provided. Collection method: literature only. Allele origin: germline. Not counted in ClinVar's aggregate classification.

Literature cited by the submitters: PubMed 30950220 (cited by 3 submitters); PubMed 18953340 (cited by Labcorp Genetics (formerly Invitae), Labcorp); PubMed 21147908 (cited by Labcorp Genetics (formerly Invitae), Labcorp).